The following is an entry in ClinVar:

NM_001369268.1(ACAN):c.752T>C (p.Met251Thr)

Gene: ACAN (aggrecan; plus strand). Cytogenetic location: 15q26.1.
Variant type: single nucleotide variant.
Coding change: c.752T>C on transcript NM_001369268.1 (MANE Select); coding-DNA position 752, T replaced by C.
Protein change: p.Met251Thr; replaces methionine 251 with threonine.
Molecular consequence: missense variant.
Genome position (GRCh38, 1-based): chr15:88,841,862, T>C. VCF-style: chr15-88841862-T-C. GRCh37 (hg19) VCF-style: chr15-89385093-T-C.
Other names: c.752T>C, p.Met251Thr (NM_001135.4, NM_001411096.1, NM_001411097.1 and 1 more transcripts); short protein forms M251T.
Identifiers: ClinVar variation 2970256 (VCV002970256.3), dbSNP rs528232598, ClinGen allele CA7719339.
Genomic context (GRCh38, chr15:88,841,862, plus strand): 5'-GGACGTATGGCATCCGAGACACCAACGAGACCTATGATGTGTACTGCTTCGCCGAGGAGA[T>C]GGAGGGTGAGCTGCCCTGCCCACCAGGAGGCACCCAGCTCCCTTCCCAAGGCCACCTTCC-3'
Protein context (NP_001356197.1, residues 241-261): TYDVYCFAEE[Met251Thr]EGEVFYATSP

ClinVar aggregate classification (germline): Uncertain significance (1 of 4 stars; one submission).

Allele frequency attached by ClinVar (database versions not stated): gnomAD 0.00001; gnomAD exomes 0.00001; TOPMed 0.00001; ExAC 0.00002; 1000 Genomes Project 30x 0.00031; 1000 Genomes Project 0.00060.
gnomAD v4.1: 12 of 1,612,054 alleles (0.00074%); highest among the groups gnomAD compares: East Asian, 0.025%; no homozygotes.

Submission:

Labcorp Genetics (formerly Invitae), Labcorp
Classification: Uncertain significance. Last evaluated: 2024-12-19. Review status: criteria provided, single submitter. Criteria: Invitae Variant Classification Sherloc (09022015). Collection method: clinical testing. Allele origin: germline.
Comment: This sequence change replaces methionine, which is neutral and non-polar, with threonine, which is neutral and polar, at codon 251 of the ACAN protein (p.Met251Thr). This variant is present in population databases (rs528232598, gnomAD 0.03%). This variant has not been reported in the literature in individuals affected with ACAN-related conditions. ClinVar contains an entry for this variant (Variation ID: 2970256). Invitae Evidence Modeling of protein sequence and biophysical properties (such as structural, functional, and spatial information, amino acid conservation, physicochemical variation, residue mobility, and thermodynamic stability) indicates that this missense variant is not expected to disrupt ACAN protein function with a negative predictive value of 80%. In summary, the available evidence is currently insufficient to determine the role of this variant in disease. Therefore, it has been classified as a Variant of Uncertain Significance.